The following is an entry in ClinVar:

ClinVar aggregate classification (germline): Uncertain significance. Review status: criteria provided, multiple submitters, no conflicts (2 of 4 stars). 3 submissions from 3 submitters: Uncertain significance (3). Last evaluated 2026-05-26.

Conditions:
MYH7B-related disorder. Also called: MYH7B-related condition.

Allele frequency attached by ClinVar (database versions not stated): ExAC 0.00009; gnomAD 0.00009; TOPMed 0.00010; ESP Exome Variant Server 0.00038; gnomAD exomes 0.00006.
gnomAD v4.1: 101 of 1,614,170 alleles (0.0063%); highest among the groups gnomAD compares: Middle Eastern, 0.033%; no homozygotes.

Submissions (3):

PreventionGenetics, part of Exact Sciences
Classification: Uncertain significance for MYH7B-related condition. Last evaluated: 2026-05-26. Review status: criteria provided, single submitter. Criteria: ACMG Guidelines, 2015. Collection method: clinical testing. Allele origin: germline.
Comment: The MYH7B c.1805C>T variant is predicted to result in the amino acid substitution p.Ala602Val. To our knowledge, this variant has not been reported in the literature. This variant is reported in 0.013% of alleles in individuals of African descent in gnomAD. At this time, the clinical significance of this variant is uncertain due to the absence of conclusive functional and genetic evidence.

Labcorp Genetics (formerly Invitae), Labcorp
Classification: Uncertain significance. Last evaluated: 2025-10-27. Review status: criteria provided, single submitter. Criteria: Invitae Variant Classification Sherloc (09022015). Collection method: clinical testing. Allele origin: germline.
Comment: This sequence change replaces alanine, which is neutral and non-polar, with valine, which is neutral and non-polar, at codon 602 of the MYH7B protein (p.Ala602Val). This variant is present in population databases (rs373446615, gnomAD 0.01%). This variant has not been reported in the literature in individuals affected with MYH7B-related conditions. ClinVar contains an entry for this variant (Variation ID: 2463784). An algorithm developed to predict the effect of missense changes on protein structure and function (PolyPhen-2) suggests that this variant is likely to be tolerated. In summary, the available evidence is currently insufficient to determine the role of this variant in disease. Therefore, it has been classified as a Variant of Uncertain Significance.

Ambry Genetics
Classification: Uncertain significance. Last evaluated: 2023-03-01. Review status: criteria provided, single submitter. Criteria: Ambry Variant Classification Scheme 2023. Collection method: clinical testing. Allele origin: germline.

NM_020884.7(MYH7B):c.1679C>T (p.Ala560Val)

Gene: MYH7B (myosin heavy chain 7B; plus strand). Cytogenetic location: 20q11.22.
Variant type: single nucleotide variant.
Coding change: c.1679C>T on transcript NM_020884.7 (MANE Select); coding-DNA position 1679, C replaced by T.
Protein change: p.Ala560Val; replaces alanine 560 with valine.
Molecular consequence: missense variant.
Genome position (GRCh38, 1-based): chr20:34,989,831, C>T. VCF-style: chr20-34989831-C-T. GRCh37 (hg19) VCF-style: chr20-33577634-C-T.
Other names: c.1805C>T (NM_020884.4); short protein forms A560V.
Identifiers: ClinVar variation 2463784 (VCV002463784.6), dbSNP rs373446615, ClinGen allele CA9827026.
Genomic context (GRCh38, chr20:34,989,831, plus strand): 5'-AATGCATGTTCCCCAAGGCCTCAGACGCCAGCTTCCGGGCCAAGCTCTACGACAACCACG[C>T]GGGGAAGTCACCCAATTTCCAGCAGCCTCGGCCTGACAAGAAGCGCAAGTACCAGGCCCA-3'
Protein context (NP_065935.4, residues 550-570): SFRAKLYDNH[Ala560Val]GKSPNFQQPR